The following is an entry in ClinVar:

NM_001103.4(ACTN2):c.1658G>C (p.Ser553Thr)

Gene: ACTN2 (actinin alpha 2; plus strand). Cytogenetic location: 1q43.
Variant type: single nucleotide variant.
Coding change: c.1658G>C on transcript NM_001103.4 (MANE Select); coding-DNA position 1658, G replaced by C.
Protein change: p.Ser553Thr; replaces serine 553 with threonine.
Molecular consequence: missense variant.
Genome position (GRCh38, 1-based): chr1:236,751,471, G>C. VCF-style: chr1-236751471-G-C. GRCh37 (hg19) VCF-style: chr1-236914771-G-C.
Other names: c.1658G>C, p.Ser553Thr (NM_001278343.2); c.1034G>C, p.Ser345Thr (NM_001278344.2); short protein forms S553T, S345T.
Identifiers: ClinVar variation 451926 (VCV000451926.10), dbSNP rs778767257, ClinGen allele CA1473223.

ClinVar aggregate classification (germline): Uncertain significance. Review status: criteria provided, multiple submitters, no conflicts (2 of 4 stars). 3 submissions from 3 submitters: Uncertain significance (3). Last evaluated 2025-04-30.

Conditions:
Cardiovascular phenotype. Identifiers: MedGen CN230736.
Primary familial hypertrophic cardiomyopathy (HCM). Identifiers: Orphanet 99739, MedGen C0949658, MeSH D024741, MONDO:0024573. Inheritance: Various modes of inheritance.
Dilated cardiomyopathy 1AA (CMD1AA). Also called: CARDIOMYOPATHY, DILATED, 1AA, WITH OR WITHOUT LEFT VENTRICULAR NONCOMPACTION; CARDIOMYOPATHY, FAMILIAL HYPERTROPHIC, 23, WITH OR WITHOUT LEFT VENTRICULAR NONCOMPACTION; Cardiomyopathy, dilated, 1AA, with or without LVNC. Identifiers: Orphanet 154, MedGen C2677338, MONDO:0012808, OMIM 612158.

Allele frequency attached by ClinVar (database versions not stated): TOPMed below 0.00001; ExAC 0.00001; gnomAD 0.00001 and 0.00002; gnomAD exomes 0.00001.
gnomAD v4.1: 7 of 1,613,966 alleles (0.00043%); highest among the groups gnomAD compares: East Asian, 0.013%; no homozygotes.

Submissions (3):

Ambry Genetics
Classification: Uncertain significance for Cardiovascular phenotype. Last evaluated: 2025-04-30. Review status: criteria provided, single submitter. Criteria: Ambry Variant Classification Scheme 2023. Collection method: clinical testing. Allele origin: germline.
Comment: The p.S553T variant (also known as c.1658G>C), located in coding exon 15 of the ACTN2 gene, results from a G to C substitution at nucleotide position 1658. The serine at codon 553 is replaced by threonine, an amino acid with similar properties. This amino acid position is conserved. In addition, this alteration is predicted to be tolerated by in silico analysis. Since supporting evidence is limited at this time, the clinical significance of this alteration remains unclear.

Labcorp Genetics (formerly Invitae), Labcorp
Classification: Uncertain significance for Primary familial hypertrophic cardiomyopathy; Dilated cardiomyopathy 1AA. Last evaluated: 2025-02-06. Review status: criteria provided, single submitter. Criteria: Invitae Variant Classification Sherloc (09022015). Collection method: clinical testing. Allele origin: germline.
Comment: This sequence change replaces serine, which is neutral and polar, with threonine, which is neutral and polar, at codon 553 of the ACTN2 protein (p.Ser553Thr). This variant is present in population databases (rs778767257, gnomAD 0.02%). This variant has not been reported in the literature in individuals affected with ACTN2-related conditions. ClinVar contains an entry for this variant (Variation ID: 451926). An algorithm developed to predict the effect of missense changes on protein structure and function (PolyPhen-2) suggests that this variant is likely to be tolerated. In summary, the available evidence is currently insufficient to determine the role of this variant in disease. Therefore, it has been classified as a Variant of Uncertain Significance.

GeneDx
Classification: Uncertain significance. Last evaluated: 2024-09-17. Review status: criteria provided, single submitter. Criteria: GeneDx Variant Classification Process June 2021. Collection method: clinical testing. Allele origin: germline. Affected: yes.
Comment: Has not been previously published as pathogenic or benign to our knowledge; Not observed at significant frequency in large population cohorts (gnomAD); In silico analysis indicates that this missense variant does not alter protein structure/function